The following is an entry in ClinVar:

ClinVar aggregate classification (germline): Uncertain significance (1 of 4 stars; one submission).

Submission:

Labcorp Genetics (formerly Invitae), Labcorp
Classification: Uncertain significance. Last evaluated: 2024-10-30. Review status: criteria provided, single submitter. Criteria: Invitae Variant Classification Sherloc (09022015). Collection method: clinical testing. Allele origin: germline.
Comment: This sequence change replaces arginine, which is basic and polar, with glutamine, which is neutral and polar, at codon 1315 of the RERE protein (p.Arg1315Gln). This variant is present in population databases (no rsID available, gnomAD 0.0008%). This variant has not been reported in the literature in individuals affected with RERE-related conditions. ClinVar contains an entry for this variant (Variation ID: 2421880). Experimental studies and prediction algorithms are not available or were not evaluated, and the functional significance of this variant is currently unknown. In summary, the available evidence is currently insufficient to determine the role of this variant in disease. Therefore, it has been classified as a Variant of Uncertain Significance.

NM_001042681.2(RERE):c.3944_3945delinsAG (p.Arg1315Gln)

Gene: RERE (arginine-glutamic acid dipeptide repeats; minus strand). Cytogenetic location: 1p36.23.
Variant type: Indel.
Coding change: c.3944_3945delinsAG on transcript NM_001042681.2 (MANE Select); coding-DNA positions 3944 to 3945, GA replaced by AG.
Protein change: p.Arg1315Gln; replaces arginine 1315 with glutamine.
Molecular consequence: missense variant.
Genome position (GRCh38, 1-based): chr1:8,358,590-8,358,591, TC replaced by CT on the plus strand (GA replaced by AG on the coding strand, the reverse complement: RERE is on the minus strand). VCF-style: chr1-8358590-TC-CT. GRCh37 (hg19) VCF-style: chr1-8418650-TC-CT.
Other names: c.2282_2283delinsAG, p.Arg761Gln (NM_001042682.2); c.3944_3945delinsAG, p.Arg1315Gln (NM_012102.4); short protein forms R1315Q, R761Q.
Identifiers: ClinVar variation 2421880 (VCV002421880.5), dbSNP rs2522695958, ClinGen allele CA2580062562.